The following is an entry in ClinVar:

NM_198578.4(LRRK2):c.4828-9A>G

Gene: LRRK2 (leucine rich repeat kinase 2; plus strand). Cytogenetic location: 12q12.
Variant type: single nucleotide variant.
Coding change: c.4828-9A>G on transcript NM_198578.4 (MANE Select); 9 bases into the intron before coding-DNA position 4828, A replaced by G.
Molecular consequence: intron variant.
Genome position (GRCh38, 1-based): chr12:40,319,979, A>G. VCF-style: chr12-40319979-A-G. GRCh37 (hg19) VCF-style: chr12-40713781-A-G.
Identifiers: ClinVar variation 3626461 (VCV003626461.2).

ClinVar aggregate classification (germline): Uncertain significance (1 of 4 stars; one submission).

Conditions:
Autosomal dominant Parkinson disease 8. Also called: Parkinson disease 8, susceptibility to; LRRK2-Related Parkinson Disease; Parkinson disease 8. Identifiers: Orphanet 411602, MedGen C1846862, MONDO:0011764, OMIM 607060.

gnomAD v4.1: 8 of 1,605,730 alleles (0.0005%); highest among the groups gnomAD compares: Non-Finnish European, 0.00068%; no homozygotes.

Submission:

Labcorp Genetics (formerly Invitae), Labcorp
Classification: Uncertain significance for Autosomal dominant Parkinson disease 8. Last evaluated: 2024-04-09. Review status: criteria provided, single submitter. Criteria: Invitae Variant Classification Sherloc (09022015). Collection method: clinical testing. Allele origin: germline.
Comment: This sequence change falls in intron 33 of the LRRK2 gene. It does not directly change the encoded amino acid sequence of the LRRK2 protein. This variant is present in population databases (rs199843206, gnomAD 0.002%). This variant has not been reported in the literature in individuals affected with LRRK2-related conditions. Algorithms developed to predict the effect of sequence changes on RNA splicing suggest that this variant may disrupt the consensus splice site. In summary, the available evidence is currently insufficient to determine the role of this variant in disease. Therefore, it has been classified as a Variant of Uncertain Significance.